The following is an entry in ClinVar:

ClinVar aggregate classification (germline): Uncertain significance. Review status: criteria provided, multiple submitters, no conflicts (2 of 4 stars). 3 submissions from 3 submitters: Uncertain significance (3). Last evaluated 2024-03-01.

Conditions:
Inborn genetic diseases. Identifiers: MedGen C0950123, MeSH D030342.

Allele frequency attached by ClinVar (database versions not stated): ExAC 0.00002; gnomAD 0.00002 and 0.00003; gnomAD exomes 0.00002 and 0.00003; TOPMed 0.00003.
gnomAD v4.1: 42 of 1,613,150 alleles (0.0026%); highest among the groups gnomAD compares: East Asian, 0.018%; no homozygotes.

Submissions (3):

Ambry Genetics
Classification: Uncertain significance for Inborn genetic diseases. Last evaluated: 2024-03-01. Review status: criteria provided, single submitter. Criteria: Ambry Variant Classification Scheme 2023. Collection method: clinical testing. Allele origin: germline.

Blueprint Genetics
Classification: Uncertain significance. Last evaluated: 2022-09-08. Review status: criteria provided, single submitter. Criteria: ACMG Guidelines, 2015. Collection method: clinical testing. Allele origin: germline.

Labcorp Genetics (formerly Invitae), Labcorp
Classification: Uncertain significance. Last evaluated: 2022-07-19. Review status: criteria provided, single submitter. Criteria: Invitae Variant Classification Sherloc (09022015). Collection method: clinical testing. Allele origin: germline.
Comment: The frequency data for this variant in the population databases is considered unreliable, as metrics indicate poor data quality at this position in the gnomAD database. This sequence change replaces alanine, which is neutral and non-polar, with valine, which is neutral and non-polar, at codon 742 of the CACNA2D4 protein (p.Ala742Val). This variant has not been reported in the literature in individuals affected with CACNA2D4-related conditions. In summary, the available evidence is currently insufficient to determine the role of this variant in disease. Therefore, it has been classified as a Variant of Uncertain Significance. Algorithms developed to predict the effect of missense changes on protein structure and function (SIFT, PolyPhen-2, Align-GVGD) all suggest that this variant is likely to be tolerated. ClinVar contains an entry for this variant (Variation ID: 935295).

NM_172364.5(CACNA2D4):c.2225C>T (p.Ala742Val)

Gene: CACNA2D4 (calcium voltage-gated channel auxiliary subunit alpha2delta 4; minus strand). Cytogenetic location: 12p13.33.
Variant type: single nucleotide variant.
Coding change: c.2225C>T on transcript NM_172364.5 (MANE Select); coding-DNA position 2225, C replaced by T.
Protein change: p.Ala742Val; replaces alanine 742 with valine.
Molecular consequence: missense variant.
Genome position (GRCh38, 1-based): chr12:1,853,972, G>A on the plus strand (C>T on the coding strand, the complement: CACNA2D4 is on the minus strand). VCF-style: chr12-1853972-G-A. GRCh37 (hg19) VCF-style: chr12-1963138-G-A.
Other names: short protein forms A742V.
Identifiers: ClinVar variation 935295 (VCV000935295.9), dbSNP rs761969045, ClinGen allele CA6386799.